The following is an entry in ClinVar:

ClinVar aggregate classification (germline): Uncertain significance (1 of 4 stars; one submission).

Submission:

Labcorp Genetics (formerly Invitae), Labcorp
Classification: Uncertain significance. Last evaluated: 2024-11-05. Review status: criteria provided, single submitter. Criteria: Invitae Variant Classification Sherloc (09022015). Collection method: clinical testing. Allele origin: germline.
Comment: This sequence change replaces aspartic acid, which is acidic and polar, with valine, which is neutral and non-polar, at codon 348 of the IFT88 protein (p.Asp348Val). This variant is not present in population databases (gnomAD no frequency). This variant has not been reported in the literature in individuals affected with IFT88-related conditions. ClinVar contains an entry for this variant (Variation ID: 1921272). An algorithm developed to predict the effect of missense changes on protein structure and function (PolyPhen-2) suggests that this variant is likely to be tolerated. In summary, the available evidence is currently insufficient to determine the role of this variant in disease. Therefore, it has been classified as a Variant of Uncertain Significance.

NM_006531.5(IFT88):c.1016A>T (p.Asp339Val)

Gene: IFT88 (intraflagellar transport 88; plus strand). Cytogenetic location: 13q12.11.
Variant type: single nucleotide variant.
Coding change: c.1016A>T on transcript NM_006531.5 (MANE Select); coding-DNA position 1016, A replaced by T.
Protein change: p.Asp339Val; replaces aspartic acid 339 with valine.
Molecular consequence: missense variant. On other transcripts: non-coding transcript variant (5).
Genome position (GRCh38, 1-based): chr13:20,601,908, A>T. VCF-style: chr13-20601908-A-T. GRCh37 (hg19) VCF-style: chr13-21176047-A-T.
Other names: c.959A>T, p.Asp320Val (NM_001318491.2, NM_001353573.2, NM_001353575.2); c.1043A>T, p.Asp348Val (NM_001318493.2, NM_001353565.2, NM_001353566.2 and 2 more transcripts); c.1016A>T, p.Asp339Val (NM_001353568.2, NM_001353572.2); c.941A>T, p.Asp314Val (NM_001353569.2, NM_001353570.2, NM_001353576.2 and 1 more transcripts); c.914A>T, p.Asp305Val (NM_001353571.2, NM_001353578.2); c.857A>T, p.Asp286Val (NM_001353574.2); c.383A>T, p.Asp128Val (NM_001353579.2); short protein forms D348V, D305V, D339V, D286V, D314V, D320V, D128V.
Identifiers: ClinVar variation 1921272 (VCV001921272.5), dbSNP rs2548164771, ClinGen allele CA387474948.